The following is an entry in ClinVar:

NM_000368.5(TSC1):c.505C>T (p.Pro169Ser)

Gene: TSC1 (TSC complex subunit 1; minus strand). Cytogenetic location: 9q34.13.
Variant type: single nucleotide variant.
Coding change: c.505C>T on transcript NM_000368.5 (MANE Select); coding-DNA position 505, C replaced by T.
Protein change: p.Pro169Ser; replaces proline 169 with serine.
Molecular consequence: missense variant. On other transcripts: 5 prime UTR variant (5), non-coding transcript variant (5).
Genome position (GRCh38, 1-based): chr9:132,923,351, G>A on the plus strand (C>T on the coding strand, the complement: TSC1 is on the minus strand). VCF-style: chr9-132923351-G-A. GRCh37 (hg19) VCF-style: chr9-135798738-G-A.
Other names: c.505C>T, p.Pro169Ser (NM_001406607.1, NM_001406608.1, NM_001406609.1 and 16 more transcripts); c.352C>T, p.Pro118Ser (NM_001406610.1, NM_001406611.1, NM_001406612.1 and 2 more transcripts); c.142C>T, p.Pro48Ser (NM_001406614.1, NM_001406615.1, NM_001406616.1 and 10 more transcripts); c.-373C>T (NM_001406626.1, NM_001406627.1, NM_001406628.1); c.-515C>T (NM_001406629.1); c.-589C>T (NM_001406630.1); short protein forms P118S, P169S, P48S.
Identifiers: ClinVar variation 4744105 (VCV004744105.2).

ClinVar aggregate classification (germline): Uncertain significance. Review status: criteria provided, multiple submitters, no conflicts (2 of 4 stars). 2 submissions from 2 submitters: Uncertain significance (2). Last evaluated 2026-03-01.

Conditions:
Tuberous sclerosis 1 (TSC1). Identifiers: Orphanet 805, MedGen C1854465, MONDO:0008612, OMIM 191100.
Hereditary cancer-predisposing syndrome. Also called: Neoplastic Syndromes, Hereditary; Hereditary neoplastic syndrome; Tumor predisposition; Hereditary Cancer Syndrome. Identifiers: Orphanet 140162, MedGen C0027672, MeSH D009386, MONDO:0015356.

Submissions (2):

Ambry Genetics
Classification: Uncertain significance for Hereditary cancer-predisposing syndrome. Last evaluated: 2026-03-01. Review status: criteria provided, single submitter. Criteria: Ambry Variant Classification Scheme 2023. Collection method: clinical testing. Allele origin: germline.
Comment: The p.P169S variant (also known as c.505C>T), located in coding exon 4 of the TSC1 gene, results from a C to T substitution at nucleotide position 505. The proline at codon 169 is replaced by serine, an amino acid with similar properties. This amino acid position is conserved. In addition, this alteration is predicted to be deleterious by in silico analysis. Based on the available evidence, the clinical significance of this variant remains unclear.

Labcorp Genetics (formerly Invitae), Labcorp
Classification: Uncertain significance for Tuberous sclerosis 1. Last evaluated: 2025-12-05. Review status: criteria provided, single submitter. Criteria: Invitae Variant Classification Sherloc (09022015). Collection method: clinical testing. Allele origin: germline.
Comment: This sequence change replaces proline, which is neutral and non-polar, with serine, which is neutral and polar, at codon 169 of the TSC1 protein (p.Pro169Ser). This variant is not present in population databases (gnomAD no frequency). This variant has not been reported in the literature in individuals affected with TSC1-related conditions. Invitae Evidence Modeling of protein sequence and biophysical properties (such as structural, functional, and spatial information, amino acid conservation, physicochemical variation, residue mobility, and thermodynamic stability) has been performed for this missense variant. However, the output from this modeling did not meet the statistical confidence thresholds required to predict the impact of this variant on TSC1 protein function. In summary, the available evidence is currently insufficient to determine the role of this variant in disease. Therefore, it has been classified as a Variant of Uncertain Significance.